The following is an entry in ClinVar:

ClinVar aggregate classification (germline): Likely pathogenic (1 of 4 stars; one submission).

Submission:

Labcorp Genetics (formerly Invitae), Labcorp
Classification: Likely pathogenic. Last evaluated: 2020-07-23. Review status: criteria provided, single submitter. Criteria: Invitae Variant Classification Sherloc (09022015). Collection method: clinical testing. Allele origin: germline.
Comment: This variant disrupts the p.Gly1252 amino acid residue in COL4A5. Other variant(s) that disrupt this residue have been observed in individuals with COL4A5-related conditions (PMID: 8940267), which suggests that this may be a clinically significant amino acid residue. In summary, the currently available evidence indicates that the variant is pathogenic, but additional data are needed to prove that conclusively. Therefore, this variant has been classified as Likely Pathogenic. Glycine residues within the Gly-Xaa-Yaa repeats of the triple helix domain are required for the structure and stability of fibrillar collagens (PMID: 7695699, 8218237, 19344236). In COL4A5, missense variants at these glycine residues are significantly enriched in individuals with disease (PMID: 23720012, 27627812) compared to the general population (ExAC). This variant has been observed in individual(s) with clinical features of Alport syndrome (Invitae). This variant is not present in population databases (ExAC no frequency). This sequence change replaces glycine with aspartic acid at codon 1252 of the COL4A5 protein (p.Gly1252Asp). The glycine residue is highly conserved and there is a moderate physicochemical difference between glycine and aspartic acid.

Literature cited by the submitters: PubMed 8940267; PubMed 7695699; PubMed 8218237; PubMed 19344236; PubMed 23720012; PubMed 27627812.

NM_033380.3(COL4A5):c.3755G>A (p.Gly1252Asp)

Gene: COL4A5 (collagen type IV alpha 5 chain; plus strand). Cytogenetic location: Xq22.3.
Variant type: single nucleotide variant.
Coding change: c.3755G>A on transcript NM_033380.3 (MANE Select); coding-DNA position 3755, G replaced by A.
Protein change: p.Gly1252Asp; replaces glycine 1252 with aspartic acid.
Molecular consequence: missense variant.
Genome position (GRCh38, 1-based): chrX:108,668,469, G>A. VCF-style: chrX-108668469-G-A. GRCh37 (hg19) VCF-style: chrX-107911699-G-A.
Other names: c.3755G>A, p.Gly1252Asp (NM_000495.5); short protein forms G1252D.
Identifiers: ClinVar variation 1067667 (VCV001067667.9), dbSNP rs2147959671, ClinGen allele CA413849049.
Genomic context (GRCh38, chrX:108,668,469, plus strand): 5'-GTGTGCAGGGTCCCCCAGGCCCTCCTGGTTCTCCGGGTCCAGCTCTGGAAGGACCTAAAG[G>A]CAACCCTGGGCCCCAAGGTCCTCCTGGGAGACCAGGTATGTCCGTGAGTGGTAGGAGAAT-3'
Protein context (NP_203699.1, residues 1242-1262): SPGPALEGPK[Gly1252Asp]NPGPQGPPGR